The following is an entry in ClinVar:

NM_002335.4(LRP5):c.122G>A (p.Arg41Gln)

Gene: LRP5 (LDL receptor related protein 5; plus strand). Cytogenetic location: 11q13.2.
Variant type: single nucleotide variant.
Coding change: c.122G>A on transcript NM_002335.4 (MANE Select); coding-DNA position 122, G replaced by A.
Protein change: p.Arg41Gln; replaces arginine 41 with glutamine.
Molecular consequence: missense variant. On other transcripts: 5 prime UTR variant (1).
Genome position (GRCh38, 1-based): chr11:68,347,877, G>A. VCF-style: chr11-68347877-G-A. GRCh37 (hg19) VCF-style: chr11-68115345-G-A.
Other names: c.-1644G>A (NM_001291902.2); short protein forms R41Q.
Identifiers: ClinVar variation 1475299 (VCV001475299.7), dbSNP rs573768844, ClinGen allele CA224270944.
Genomic context (GRCh38, chr11:68,347,877, plus strand): 5'-TGGCCCTCACGGTTTGCTTCTGCCCCACAGCCTCGCCGCTCCTGCTATTTGCCAACCGCC[G>A]GGACGTACGGCTGGTGGACGCCGGCGGAGTCAAGCTGGAGTCCACCATCGTGGTCAGCGG-3'
Protein context (NP_002326.2, residues 31-51): ASPLLLFANR[Arg41Gln]DVRLVDAGGV

ClinVar aggregate classification (germline): Uncertain significance. Review status: criteria provided, multiple submitters, no conflicts (2 of 4 stars). 2 submissions from 2 submitters: Uncertain significance (2). Last evaluated 2024-03-04.

Conditions:
Autosomal dominant osteopetrosis 1 (OPTA1). Also called: OSTEOPETROSIS, AUTOSOMAL DOMINANT, TYPE I. Identifiers: Orphanet 2783, MedGen C1843330, MONDO:0011877, OMIM 607634.
Polycystic liver disease 4 with or without kidney cysts. Identifiers: MedGen C4693479, MONDO:0044327, OMIM 617875.
Exudative vitreoretinopathy 4 (EVR4). Identifiers: Orphanet 891, MedGen C1866176, MONDO:0011151, OMIM 601813.
Osteoporosis with pseudoglioma (OPPG). Also called: osteoporosis-pseudoglioma syndrome. Identifiers: Orphanet 2788, MedGen C0432252, MONDO:0009820, OMIM 259770.
Bone mineral density quantitative trait locus 1 (BMND1). Identifiers: MedGen C1866079, OMIM 601884.
Worth disease. Also called: Autosomal dominant osteosclerosis, Worth type; ENDOSTEAL HYPEROSTOSIS, AUTOSOMAL DOMINANT; OSTEOSCLEROSIS, AUTOSOMAL DOMINANT. Identifiers: Orphanet 2790, MedGen C0432273, MONDO:0007764, OMIM 144750.

Allele frequency attached by ClinVar (database versions not stated): TOPMed below 0.00001; gnomAD exomes 0.00001.
gnomAD v4.1: 3 of 1,613,676 alleles (0.00019%); highest among the groups gnomAD compares: Admixed American, 0.0033%; no homozygotes.

Submissions (2):

Labcorp Genetics (formerly Invitae), Labcorp
Classification: Uncertain significance. Last evaluated: 2024-03-04. Review status: criteria provided, single submitter. Criteria: Invitae Variant Classification Sherloc (09022015). Collection method: clinical testing. Allele origin: germline.
Comment: This sequence change replaces arginine, which is basic and polar, with glutamine, which is neutral and polar, at codon 41 of the LRP5 protein (p.Arg41Gln). This variant is present in population databases (rs573768844, gnomAD 0.002%). This variant has not been reported in the literature in individuals affected with LRP5-related conditions. ClinVar contains an entry for this variant (Variation ID: 1475299). Advanced modeling of protein sequence and biophysical properties (such as structural, functional, and spatial information, amino acid conservation, physicochemical variation, residue mobility, and thermodynamic stability) performed at Invitae indicates that this missense variant is not expected to disrupt LRP5 protein function with a negative predictive value of 95%. In summary, the available evidence is currently insufficient to determine the role of this variant in disease. Therefore, it has been classified as a Variant of Uncertain Significance.

Fulgent Genetics
Classification: Uncertain significance for Worth disease; Osteoporosis with pseudoglioma; Exudative vitreoretinopathy 4; Bone mineral density quantitative trait locus 1; Autosomal dominant osteopetrosis 1; Polycystic liver disease 4 with or without kidney cysts. Last evaluated: 2024-02-26. Review status: criteria provided, single submitter. Criteria: ACMG Guidelines, 2015. Collection method: clinical testing. Allele origin: germline.